The following is an entry in ClinVar:

ClinVar aggregate classification (germline): Uncertain significance (1 of 4 stars; one submission).

Conditions:
Amyotrophic lateral sclerosis type 1 (ALS1). Also called: AMYOTROPHIC LATERAL SCLEROSIS 1, FAMILIAL. Identifiers: Orphanet 803, MedGen C1862939, MONDO:0007103, OMIM 105400.
Perry syndrome. Also called: PARKINSONISM WITH ALVEOLAR HYPOVENTILATION AND MENTAL DEPRESSION. Identifiers: Orphanet 178509, MedGen C1868594, MONDO:0008201, OMIM 168605.
Neuronopathy, distal hereditary motor, type 7B. Also called: HMN VIIB; LOWER MOTOR NEURON DISEASE, DYNACTIN TYPE; NEURONOPATHY, DISTAL HEREDITARY MOTOR, AUTOSOMAL DOMINANT 14; NEURONOPATHY, DISTAL HEREDITARY MOTOR, HARDING TYPE VIIB; NEUROPATHY, DISTAL HEREDITARY MOTOR, HARDING TYPE VIIB; NEUROPATHY, DISTAL HEREDITARY MOTOR, WITH VOCAL CORD PARALYSIS, HARDING TYPE VIIB. Identifiers: Orphanet 139589, MedGen C1843315, MONDO:0011879, OMIM 607641.

Submission:

Labcorp Genetics (formerly Invitae), Labcorp
Classification: Uncertain significance for Amyotrophic lateral sclerosis type 1; Neuronopathy, distal hereditary motor, type 7B; Perry syndrome. Last evaluated: 2021-01-30. Review status: criteria provided, single submitter. Criteria: Invitae Variant Classification Sherloc (09022015). Collection method: clinical testing. Allele origin: germline.
Comment: In summary, the available evidence is currently insufficient to determine the role of this variant in disease. Therefore, it has been classified as a Variant of Uncertain Significance. Algorithms developed to predict the effect of sequence changes on RNA splicing suggest that this variant may disrupt the consensus splice site, but this prediction has not been confirmed by published transcriptional studies. This variant has not been reported in the literature in individuals with DCTN1-related conditions. This variant is not present in population databases (ExAC no frequency). This sequence change affects an acceptor splice site in intron 12 of the DCTN1 gene. It is expected to disrupt RNA splicing. Variants that disrupt the donor or acceptor splice site typically lead to a loss of protein function (PMID: 16199547), however the current clinical and genetic evidence is not sufficient to establish whether loss-of-function variants in DCTN1 cause disease.

Literature cited by the submitters: PubMed 16199547.

NM_004082.5(DCTN1):c.1288-1G>A

Gene: DCTN1 (dynactin subunit 1; minus strand). Cytogenetic location: 2p13.1.
Variant type: single nucleotide variant.
Coding change: c.1288-1G>A on transcript NM_004082.5 (MANE Select); the canonical splice acceptor site of the intron before coding-DNA position 1288, G replaced by A.
Molecular consequence: splice acceptor variant.
Genome position (GRCh38, 1-based): chr2:74,370,070, C>T on the plus strand (G>A on the coding strand, the complement: DCTN1 is on the minus strand). VCF-style: chr2-74370070-C-T. GRCh37 (hg19) VCF-style: chr2-74597197-C-T.
Other names: c.1177-1G>A (NM_001190836.2); c.1219-1G>A (NM_001378992.1); c.1237-1G>A (NM_001378991.1); c.1228-1G>A (NM_001135040.3); c.1267-1G>A (NM_001190837.2); c.886-1G>A (NM_001135041.3, NM_023019.4).
Identifiers: ClinVar variation 1463852 (VCV001463852.8), dbSNP rs2103653438, ClinGen allele CA347360353.